The following is an entry in ClinVar:

NM_000429.3(MAT1A):c.641C>T (p.Thr214Met)

Gene: MAT1A (methionine adenosyltransferase 1A; minus strand). Cytogenetic location: 10q22.3.
Variant type: single nucleotide variant.
Coding change: c.641C>T on transcript NM_000429.3 (MANE Select); coding-DNA position 641, C replaced by T.
Protein change: p.Thr214Met; replaces threonine 214 with methionine.
Molecular consequence: missense variant.
Genome position (GRCh38, 1-based): chr10:80,276,503, G>A on the plus strand (C>T on the coding strand, the complement: MAT1A is on the minus strand). VCF-style: chr10-80276503-G-A. GRCh37 (hg19) VCF-style: chr10-82036259-G-A.
Other names: short protein forms T214M.
Identifiers: ClinVar variation 1389304 (VCV001389304.6), dbSNP rs754347805, ClinGen allele CA5576741.

ClinVar aggregate classification (germline): Uncertain significance (1 of 4 stars; one submission).

Conditions:
Hepatic methionine adenosyltransferase deficiency. Also called: Isolated Persistent Hypermethioninemia; Methionine adenosyltransferase deficiency; MAT I/III DEFICIENCY; Deficiency of methionine adenosyltransferase. Identifiers: Orphanet 168598, MedGen C0268621, MeSH C564683, MONDO:0009607, OMIM 250850.

Allele frequency attached by ClinVar (database versions not stated): ExAC 0.00002; gnomAD exomes 0.00006; TOPMed 0.00008; gnomAD 0.00010 and 0.00011.
gnomAD v4.1: 218 of 1,614,040 alleles (0.014%); highest among the groups gnomAD compares: Non-Finnish European, 0.017%; no homozygotes.

Submission:

Labcorp Genetics (formerly Invitae), Labcorp
Classification: Uncertain significance for Hepatic methionine adenosyltransferase deficiency. Last evaluated: 2024-10-22. Review status: criteria provided, single submitter. Criteria: Invitae Variant Classification Sherloc (09022015). Collection method: clinical testing. Allele origin: germline.
Comment: This sequence change replaces threonine, which is neutral and polar, with methionine, which is neutral and non-polar, at codon 214 of the MAT1A protein (p.Thr214Met). This variant is present in population databases (rs754347805, gnomAD 0.009%). This variant has not been reported in the literature in individuals affected with MAT1A-related conditions. ClinVar contains an entry for this variant (Variation ID: 1389304). Invitae Evidence Modeling of protein sequence and biophysical properties (such as structural, functional, and spatial information, amino acid conservation, physicochemical variation, residue mobility, and thermodynamic stability) indicates that this missense variant is not expected to disrupt MAT1A protein function with a negative predictive value of 80%. In summary, the available evidence is currently insufficient to determine the role of this variant in disease. Therefore, it has been classified as a Variant of Uncertain Significance.